The following is an entry in ClinVar:

NM_005629.4(SLC6A8):c.263-3_271del

Gene: SLC6A8 (solute carrier family 6 member 8; plus strand). Cytogenetic location: Xq28.
Variant type: Deletion.
Coding change: c.263-3_271del on transcript NM_005629.4 (MANE Select); 3 bases into the intron before coding-DNA position 263 through coding-DNA position 271, 12 bases deleted (CAGGTGTGTTCC).
Molecular consequence: splice acceptor variant.
Genome position (GRCh38, 1-based): chrX:153,690,372-153,690,383, CAGGTGTGTTCC deleted; deleting any 12 consecutive bases within chrX:153,690,370-153,690,383 gives the same sequence; the c. name uses the placement nearest the transcript's 3' end. VCF-style (leftmost placement, unchanged base first): chrX-153690369-CCCCAGGTGTGTT-C. GRCh37 (hg19) VCF-style: chrX-152955824-CCCCAGGTGTGTT-C.
Other names: c.263-3_271del (NM_001142805.2); c.-83-3_-75del (NM_001142806.1).
Identifiers: ClinVar variation 2005020 (VCV002005020.4), dbSNP rs2522152124, ClinGen allele CA2580101680.
Genomic context (GRCh38, chrX:153,690,369, plus strand): 5'-GGCCCGCTGGGCCTGGGCAGCCTGGCTGGGGGCCACCCTGAGTCCACGCTGTGCCTCCAC[CCCCAGGTGTGTT>C]CCTTATTCCCTACGTCCTGATCGCCCTGGTTGGAGGAATCCCCATTTTCTTCTTAGAGAT-3'

ClinVar aggregate classification (germline): Likely pathogenic (1 of 4 stars; one submission).

Conditions:
Creatine transporter deficiency (CCDS1). Also called: CEREBRAL CREATINE DEFICIENCY SYNDROME 1; Creatine Transporter (CRTR) Deficiency; Mental retardation , X-linked with seizures, short stature and midface hypoplasia; Mental retardation , X-linked, with creatine transport deficiency; X-linked creatine transporter deficiency; X-linked creatine deficiency syndrome. Identifiers: Orphanet 52503, MedGen C1845862, MONDO:0010305, OMIM 300352.

Submission:

Labcorp Genetics (formerly Invitae), Labcorp
Classification: Likely pathogenic for Creatine transporter deficiency. Last evaluated: 2022-06-12. Review status: criteria provided, single submitter. Criteria: Invitae Variant Classification Sherloc (09022015). Collection method: clinical testing. Allele origin: germline.
Comment: In summary, the currently available evidence indicates that the variant is pathogenic, but additional data are needed to prove that conclusively. Therefore, this variant has been classified as Likely Pathogenic. Algorithms developed to predict the effect of sequence changes on RNA splicing suggest that this variant may disrupt the consensus splice site. This variant has not been reported in the literature in individuals affected with SLC6A8-related conditions. This variant is not present in population databases (gnomAD no frequency). This variant results in the deletion of part of exon 2 (c.263-3_271del) of the SLC6A8 gene. It is expected to disrupt RNA splicing. Variants that disrupt the donor or acceptor splice site typically lead to a loss of protein function (PMID: 16199547), and loss-of-function variants in SLC6A8 are known to be pathogenic (PMID: 22281021).

Literature cited by the submitters: PubMed 16199547; PubMed 22281021.